The following is an entry in ClinVar:

NM_000186.4(CFH):c.3392C>G (p.Ala1131Gly)

Gene: CFH (complement factor H; plus strand). Cytogenetic location: 1q31.3.
Variant type: single nucleotide variant.
Coding change: c.3392C>G on transcript NM_000186.4 (MANE Select); coding-DNA position 3392, C replaced by G.
Protein change: p.Ala1131Gly; replaces alanine 1131 with glycine.
Molecular consequence: missense variant.
Genome position (GRCh38, 1-based): chr1:196,745,898, C>G. VCF-style: chr1-196745898-C-G. GRCh37 (hg19) VCF-style: chr1-196715028-C-G.
Other names: short protein forms A1131G.
Identifiers: ClinVar variation 2781586 (VCV002781586.3), dbSNP rs2529557109, ClinGen allele CA343985475.

ClinVar aggregate classification (germline): Uncertain significance (1 of 4 stars; one submission).

Submission:

Labcorp Genetics (formerly Invitae), Labcorp
Classification: Uncertain significance. Last evaluated: 2026-01-11. Review status: criteria provided, single submitter. Criteria: Invitae Variant Classification Sherloc (09022015). Collection method: clinical testing. Allele origin: germline.
Comment: This sequence change replaces alanine, which is neutral and non-polar, with glycine, which is neutral and non-polar, at codon 1131 of the CFH protein (p.Ala1131Gly). This variant is not present in population databases (gnomAD no frequency). This variant has not been reported in the literature in individuals affected with CFH-related conditions. ClinVar contains an entry for this variant (Variation ID: 2781586). An algorithm developed to predict the effect of missense changes on protein structure and function outputs the following: PolyPhen-2: "Benign". The glycine amino acid residue is found in multiple mammalian species, which suggests that this missense change does not adversely affect protein function. In summary, the available evidence is currently insufficient to determine the role of this variant in disease. Therefore, it has been classified as a Variant of Uncertain Significance.